The following is an entry in ClinVar:

ClinVar aggregate classification (germline): Uncertain significance (1 of 4 stars; one submission).

Conditions:
Developmental and epileptic encephalopathy. Identifiers: MedGen C5779964, MONDO:0100620.

Allele frequency attached by ClinVar (database versions not stated): gnomAD exomes below 0.00001; gnomAD 0.00001; TOPMed 0.00001.
gnomAD v4.1: 2 of 1,613,220 alleles (0.00012%); highest among the groups gnomAD compares: Non-Finnish European, 0.00017%; no homozygotes.

Submission:

Labcorp Genetics (formerly Invitae), Labcorp
Classification: Uncertain significance for Early-infantile DEE. Last evaluated: 2021-08-20. Review status: criteria provided, single submitter. Criteria: Invitae Variant Classification Sherloc (09022015). Collection method: clinical testing. Allele origin: germline.
Comment: This sequence change replaces glutamic acid with lysine at codon 590 of the CACNA2D2 protein (p.Glu590Lys). The glutamic acid residue is highly conserved and there is a small physicochemical difference between glutamic acid and lysine. This variant is not present in population databases (ExAC no frequency). This variant has not been reported in the literature in individuals affected with CACNA2D2-related conditions. Algorithms developed to predict the effect of missense changes on protein structure and function are either unavailable or do not agree on the potential impact of this missense change (SIFT: "Deleterious"; PolyPhen-2: "Possibly Damaging"; Align-GVGD: "Class C0"). In summary, the available evidence is currently insufficient to determine the role of this variant in disease. Therefore, it has been classified as a Variant of Uncertain Significance.

NM_006030.4(CACNA2D2):c.1768G>A (p.Glu590Lys)

Gene: CACNA2D2 (calcium voltage-gated channel auxiliary subunit alpha2delta 2; minus strand). Cytogenetic location: 3p21.31.
Variant type: single nucleotide variant.
Coding change: c.1768G>A on transcript NM_006030.4 (MANE Select); coding-DNA position 1768, G replaced by A.
Protein change: p.Glu590Lys; replaces glutamic acid 590 with lysine.
Molecular consequence: missense variant.
Genome position (GRCh38, 1-based): chr3:50,375,968, C>T on the plus strand (G>A on the coding strand, the complement: CACNA2D2 is on the minus strand). VCF-style: chr3-50375968-C-T. GRCh37 (hg19) VCF-style: chr3-50413399-C-T.
Other names: c.1768G>A, p.Glu590Lys (NM_001005505.3, NM_001174051.3); c.1561G>A, p.Glu521Lys (NM_001291101.1); short protein forms E521K, E590K.
Identifiers: ClinVar variation 1062251 (VCV001062251.3), dbSNP rs1410939928, ClinGen allele CA352924685.